The following is an entry in ClinVar:

ClinVar aggregate classification (germline): Uncertain significance (1 of 4 stars; one submission).

Conditions:
Congenital contractural arachnodactyly (CCA). Also called: BEALS SYNDROME; Arthrogryposis, distal, type 9; Beals-Hecht syndrome. Identifiers: Orphanet 115, MedGen C0220668, MONDO:0007363, OMIM 121050.

gnomAD v4.1: 3 of 1,614,108 alleles (0.00019%); highest among the groups gnomAD compares: South Asian, 0.0011%; no homozygotes.

Submission:

Labcorp Genetics (formerly Invitae), Labcorp
Classification: Uncertain significance for Congenital contractural arachnodactyly. Last evaluated: 2025-10-14. Review status: criteria provided, single submitter. Criteria: Invitae Variant Classification Sherloc (09022015). Collection method: clinical testing. Allele origin: germline.
Comment: This sequence change falls in intron 31 of the FBN2 gene. It does not directly change the encoded amino acid sequence of the FBN2 protein. It affects a nucleotide within the consensus splice site. This variant is present in population databases (no rsID available, gnomAD 0.0009%). This variant has not been reported in the literature in individuals affected with FBN2-related conditions. Variants that disrupt the consensus splice site are a relatively common cause of aberrant splicing (PMID: 17576681, 9536098). Algorithms developed to predict the effect of sequence changes on RNA splicing suggest that this variant is not likely to affect RNA splicing. In summary, the available evidence is currently insufficient to determine the role of this variant in disease. Therefore, it has been classified as a Variant of Uncertain Significance.

Literature cited by the submitters: PubMed 17576681; PubMed 9536098.

NM_001999.4(FBN2):c.4099+4G>C

Gene: FBN2 (fibrillin 2; minus strand). Cytogenetic location: 5q23.3.
Variant type: single nucleotide variant.
Coding change: c.4099+4G>C on transcript NM_001999.4 (MANE Select); 4 bases into the intron after coding-DNA position 4099, G replaced by C.
Molecular consequence: intron variant.
Genome position (GRCh38, 1-based): chr5:128,334,715, C>G on the plus strand (G>C on the coding strand, the complement: FBN2 is on the minus strand). VCF-style: chr5-128334715-C-G. GRCh37 (hg19) VCF-style: chr5-127670407-C-G.
Identifiers: ClinVar variation 4746727 (VCV004746727.1).